The following is an entry in ClinVar:

ClinVar aggregate classification (germline): Uncertain significance (1 of 4 stars; one submission).

Submission:

Dasa
Classification: Uncertain significance. Last evaluated: 2026-02-24. Review status: criteria provided, single submitter. Criteria: DASA Assertion Criteria. Collection method: clinical testing. Allele origin: germline.
Comment: NM_003070.5(SMARCA2):c.857G>T (p.Arg286Leu) is a missense variant that results in the substitution of arginine with leucine. This variant is absent from population databases. The currently available literature and clinical evidence are not sufficient to establish a definitive association between this variant and the reported condition. Therefore, this variant is classified as a variant of uncertain significance.

NM_003070.5(SMARCA2):c.857G>T (p.Arg286Leu)

Gene: SMARCA2 (SWI/SNF related BAF chromatin remodeling complex subunit ATPase 2; plus strand). Cytogenetic location: 9p24.3.
Variant type: single nucleotide variant.
Coding change: c.857G>T on transcript NM_003070.5 (MANE Select); coding-DNA position 857, G replaced by T.
Protein change: p.Arg286Leu; replaces arginine 286 with leucine.
Molecular consequence: missense variant.
Genome position (GRCh38, 1-based): chr9:2,047,295, G>T. VCF-style: chr9-2047295-G-T. GRCh37 (hg19) VCF-style: chr9-2047295-G-T.
Other names: c.857G>T, p.Arg286Leu (NM_001289396.2, NM_001289397.2, NM_139045.4); short protein forms R286L.
Identifiers: ClinVar variation 4880847 (VCV004880847.2).